The following is an entry in ClinVar:

ClinVar aggregate classification (germline): Conflicting classifications of pathogenicity. Review status: criteria provided, conflicting classifications (1 of 4 stars). 6 submissions from 6 submitters: Likely pathogenic (3); Uncertain significance (3). Last evaluated 2025-09-24.

Conditions:
BEST1-related disorder. Also called: BEST1-related disorders; BEST1-related condition. Identifiers: MedGen CN239200.
Retinal dystrophy. Also called: Inherited retinal dystrophy. Identifiers: Orphanet 71862, MedGen C0854723, MeSH D058499, MONDO:0019118, HP:0000556.
Vitelliform macular dystrophy 2. Also called: Best Vitelliform Macular Dystrophy (BVMD); VITELLIFORM MACULAR DYSTROPHY, EARLY-ONSET; VITELLIFORM MACULAR DYSTROPHY, JUVENILE-ONSET; Best Macular Dystrophy; MACULAR DEGENERATION, POLYMORPHIC VITELLINE; Best vitelliform macular dystrophy, multifocal. Identifiers: Orphanet 1243, MedGen C2745945, MONDO:0007931, OMIM 153700.
Autosomal recessive bestrophinopathy. Also called: Autosomal Recessive Bestrophinopathy (ARB). Identifiers: Orphanet 139455, MedGen C3888198, MONDO:0012733, OMIM 611809.

Submissions (6):

Institute of Medical Genetics and Applied Genomics, University Hospital Tübingen
Classification: Likely pathogenic for Autosomal recessive bestrophinopathy. Last evaluated: 2025-09-24. Review status: criteria provided, single submitter. Criteria: ACMG Guidelines, 2015. Collection method: clinical testing. Allele origin: germline. Inheritance: Autosomal recessive inheritance. Affected: yes.

Labcorp Genetics (formerly Invitae), Labcorp
Classification: Uncertain significance. Last evaluated: 2025-03-17. Review status: criteria provided, single submitter. Criteria: Invitae Variant Classification Sherloc (09022015). Collection method: clinical testing. Allele origin: germline.
Comment: This variant, c.536_538del, results in the deletion of 1 amino acid(s) of the BEST1 protein (p.Asn179del), but otherwise preserves the integrity of the reading frame. This variant is present in population databases (rs775979290, gnomAD 0.003%). This variant has been observed in individual(s) with autosomal recessive or dominant BEST1-related conditions (PMID: 21273940, 22162627, 35119454, 36908234, 38219857). This variant is also known as c.533_535delACA. Algorithms developed to predict the effect of variants on gene product structure and function are not available or were not evaluated for this variant. Experimental studies are conflicting or provide insufficient evidence to determine the effect of this variant on BEST1 function (PMID: 24560797). In summary, the available evidence is currently insufficient to determine the role of this variant in disease. Therefore, it has been classified as a Variant of Uncertain Significance.

Blueprint Genetics
Classification: Likely pathogenic for BEST1-related disorders. Last evaluated: 2024-11-07. Review status: criteria provided, single submitter. Criteria: ACMG Guidelines, 2015. Collection method: clinical testing. Allele origin: germline. Affected: yes. Observed: 5 variant alleles.

Institute of Human Genetics, Univ. Regensburg, Univ. Regensburg
Classification: Likely pathogenic for Retinal dystrophy. Last evaluated: 2023-01-01. Review status: criteria provided, single submitter. Criteria: ACMG Guidelines, 2015. Collection method: clinical testing. Allele origin: germline. Affected: yes.

3billion
Classification: Uncertain significance for Autosomal recessive bestrophinopathy. Last evaluated: 2022-09-01. Review status: criteria provided, single submitter. Criteria: ACMG Guidelines, 2015. Collection method: clinical testing. Allele origin: germline. Affected: yes. Observed: 1 homozygote.
Comment: The variant is observed at an extremely low frequency in the gnomAD v2.1.1 dataset (total allele frequency: 0.002%). Inframe deletion located in a nonrepeat region is predicted to change the length of the protein and disrupt normal protein function. The variant has been reported to be associated with BEST1-related disorder (PMID: 21273940). However, the evidence of pathogenicity is insufficient at this time. Therefore, this variant is classified as uncertain significance according to the recommendation of ACMG/AMP guideline.

Centre for Mendelian Genomics, University Medical Centre Ljubljana
Classification: Uncertain significance for Vitelliform macular dystrophy 2. Last evaluated: 2020-02-26. Review status: criteria provided, single submitter. Criteria: ACMG Guidelines, 2015. Collection method: clinical testing. Allele origin: unknown. Affected: yes.
Comment: This variant was classified as: Uncertain significance. The available evidence on this variant's pathogenicity is insufficient or conflicting. The following ACMG criteria were applied in classifying this variant: PM2,PP3.

Literature cited by the submitters: PubMed 21273940 (cited by 3 submitters); PubMed 22162627 (cited by Labcorp Genetics (formerly Invitae), Labcorp); PubMed 35119454 (cited by Labcorp Genetics (formerly Invitae), Labcorp and Institute of Human Genetics, Univ. Regensburg, Univ. Regensburg); PubMed 36908234 (cited by Labcorp Genetics (formerly Invitae), Labcorp); PubMed 38219857 (cited by Labcorp Genetics (formerly Invitae), Labcorp); PubMed 24560797 (cited by Labcorp Genetics (formerly Invitae), Labcorp and Institute of Human Genetics, Univ. Regensburg, Univ. Regensburg).

NM_004183.4(BEST1):c.533ACA[1] (p.Asn179del)

Genes: BEST1 (bestrophin 1; plus strand), FTH1 (ferritin heavy chain 1; minus strand). Cytogenetic location: 11q12.3.
Variant type: Microsatellite.
Coding change: c.533ACA[1] on transcript NM_004183.4 (MANE Select); one copy of the 3-base unit ACA starting at c.533; the reference has two copies in a row; one copy, 3 bases deleted; also written c.536_538del.
Protein change: p.Asn179del; deletes asparagine 179.
Molecular consequence: inframe deletion. On other transcripts: frameshift variant (3), non-coding transcript variant (1).
Genome position (GRCh38, 1-based): chr11:61,956,898-61,956,900, ACA deleted; deleting any 3 consecutive bases within chr11:61,956,895-61,956,900 gives the same sequence; the position shown is the placement nearest the transcript's 3' end. VCF-style (leftmost placement, unchanged base first): chr11-61956894-CACA-C. GRCh37 (hg19) VCF-style: chr11-61724366-CACA-C.
Other names: c.536_538del (NM_004183.4); c.351_353ACA[1], p.Asn119Valfs (NM_001139443.3); c.353ACA[1], p.Asn119del (NM_001300786.2, NM_001300787.2); c.213_215ACA[1], p.Asn73Valfs (NM_001363591.3); c.531_533ACA[1], p.Asn179Valfs (NM_001363592.2); c.-645_-643ACA[1] (NM_001363593.3); short protein forms N119del, N179del, N73del.
Identifiers: ClinVar variation 931318 (VCV000931318.11), dbSNP rs775979290, ClinGen allele CA6040770.